The following is an entry in ClinVar:

ClinVar aggregate classification (germline): Uncertain significance. Review status: criteria provided, single submitter (1 of 4 stars). 2 submissions from 2 submitters: Uncertain significance (1). 1 of the submissions does not count toward it. Last evaluated 2022-08-15.

Conditions:
Decreased circulating carnitine concentration. Also called: Decreased plasma carnitine. Identifiers: MedGen C5848230, HP:0003234.
Renal carnitine transport defect (CDSP). Also called: Systemic primary carnitine deficiency disease; CARNITINE DEFICIENCY, SYSTEMIC, DUE TO DEFECT IN RENAL REABSORPTION OF CARNITINE; CARNITINE TRANSPORTER, PLASMA-MEMBRANE, DEFICIENCY OF; CARNITINE UPTAKE DEFECT; Carnitine transporter deficiency; Carnitine Deficiency, Systemic. Identifiers: Orphanet 158, MedGen C0342788, MONDO:0008919, OMIM 212140.

Allele frequency attached by ClinVar (database versions not stated): gnomAD exomes below 0.00001 and 0.00001.
gnomAD v4.1: 9 of 1,607,806 alleles (0.00056%); highest among the groups gnomAD compares: Admixed American, 0.0017%; no homozygotes.

Submissions (2):

Labcorp Genetics (formerly Invitae), Labcorp
Classification: Uncertain significance for Renal carnitine transport defect. Last evaluated: 2022-08-15. Review status: criteria provided, single submitter. Criteria: Invitae Variant Classification Sherloc (09022015). Collection method: clinical testing. Allele origin: germline.
Comment: This sequence change replaces methionine, which is neutral and non-polar, with threonine, which is neutral and polar, at codon 349 of the SLC22A5 protein (p.Met349Thr). This variant is present in population databases (no rsID available, gnomAD 0.003%). This variant has not been reported in the literature in individuals affected with SLC22A5-related conditions. ClinVar contains an entry for this variant (Variation ID: 1053874). Advanced modeling of protein sequence and biophysical properties (such as structural, functional, and spatial information, amino acid conservation, physicochemical variation, residue mobility, and thermodynamic stability) performed at Invitae indicates that this missense variant is not expected to disrupt SLC22A5 protein function. In summary, the available evidence is currently insufficient to determine the role of this variant in disease. Therefore, it has been classified as a Variant of Uncertain Significance.

Natera, Inc.
Classification: Uncertain significance for Carnitine deficiency. Last evaluated: 2021-06-03. Review status: no assertion criteria provided. Collection method: clinical testing. Allele origin: germline. Not counted in ClinVar's aggregate classification.

NM_003060.4(SLC22A5):c.1046T>C (p.Met349Thr)

Gene: SLC22A5 (solute carrier family 22 member 5; plus strand). Cytogenetic location: 5q31.1.
Variant type: single nucleotide variant.
Coding change: c.1046T>C on transcript NM_003060.4 (MANE Select); coding-DNA position 1046, T replaced by C.
Protein change: p.Met349Thr; replaces methionine 349 with threonine.
Molecular consequence: missense variant.
Genome position (GRCh38, 1-based): chr5:132,389,015, T>C. VCF-style: chr5-132389015-T-C. GRCh37 (hg19) VCF-style: chr5-131724707-T-C.
Other names: c.1118T>C, p.Met373Thr (NM_001308122.2); short protein forms M349T, M373T.
Identifiers: ClinVar variation 1053874 (VCV001053874.10), dbSNP rs1280789093, ClinGen allele CA360806672.